The following is an entry in ClinVar:

ClinVar aggregate classification (germline): Uncertain significance. Review status: criteria provided, multiple submitters, no conflicts (2 of 4 stars). 2 submissions from 2 submitters: Uncertain significance (2). Last evaluated 2025-10-03.

Conditions:
Inborn genetic diseases. Identifiers: MedGen C0950123, MeSH D030342.
AMACR-related disorder. Also called: AMACR-Related Disorders; AMACR-related condition.

Allele frequency attached by ClinVar (database versions not stated): ExAC 0.00001; TOPMed below 0.00001.

Submissions (2):

PreventionGenetics, part of Exact Sciences
Classification: Uncertain significance for AMACR-related condition. Last evaluated: 2025-10-03. Review status: criteria provided, single submitter. Criteria: ACMG Guidelines, 2015. Collection method: clinical testing. Allele origin: germline.
Comment: The AMACR c.724G>A variant is predicted to result in the amino acid substitution p.Glu242Lys. To our knowledge, this variant has not been reported in the literature. This variant is reported in 0.00088% of alleles in individuals of European (Non-Finnish) descent in gnomAD. At this time, the clinical significance of this variant is uncertain due to the absence of conclusive functional and genetic evidence.

Ambry Genetics
Classification: Uncertain significance for Inborn genetic diseases. Last evaluated: 2023-12-20. Review status: criteria provided, single submitter. Criteria: Ambry Variant Classification Scheme 2023. Collection method: clinical testing. Allele origin: germline.

NM_014324.6(AMACR):c.724G>A (p.Glu242Lys)

Genes: AMACR (alpha-methylacyl-CoA racemase; minus strand), C1QTNF3-AMACR (C1QTNF3-AMACR readthrough (NMD candidate); minus strand). Cytogenetic location: 5p13.2.
Variant type: single nucleotide variant.
Coding change: c.724G>A on transcript NM_014324.6 (MANE Select); coding-DNA position 724, G replaced by A.
Protein change: p.Glu242Lys; replaces glutamic acid 242 with lysine.
Molecular consequence: missense variant. On other transcripts: non-coding transcript variant (1).
Genome position (GRCh38, 1-based): chr5:33,998,656, C>T on the plus strand (G>A on the coding strand, the complement: AMACR is on the minus strand). VCF-style: chr5-33998656-C-T. GRCh37 (hg19) VCF-style: chr5-33998761-C-T.
Other names: c.724G>A, p.Glu242Lys (NM_001167595.2); c.563G>A, p.Arg188Gln (NM_203382.3); short protein forms E242K, R188Q.
Identifiers: ClinVar variation 3114586 (VCV003114586.2), dbSNP rs763906079, ClinGen allele CA3226137.